The following is an entry in ClinVar:

ClinVar aggregate classification (germline): Uncertain significance. Review status: criteria provided, multiple submitters, no conflicts (2 of 4 stars). 4 submissions from 4 submitters: Uncertain significance (4). Last evaluated 2025-07-20.

Conditions:
Familial thoracic aortic aneurysm and aortic dissection (TAAD). Also called: Thoracic aortic aneurysms and dissections. Identifiers: Orphanet 91387, MedGen C4707243, MONDO:0019625.
Adams-Oliver syndrome 5 (AOS5). Identifiers: Orphanet 974, MedGen C4014970, MONDO:0014459, OMIM 616028.

Allele frequency attached by ClinVar (database versions not stated): gnomAD exomes 0.00003 and 0.00009; TOPMed 0.00003; gnomAD 0.00004; ExAC 0.00010.
gnomAD v4.1: 53 of 1,612,720 alleles (0.0033%); highest among the groups gnomAD compares: Admixed American, 0.027%; no homozygotes.

Submissions (5):

Labcorp Genetics (formerly Invitae), Labcorp
Classification: Uncertain significance for Adams-Oliver syndrome 5. Last evaluated: 2025-07-20. Review status: criteria provided, single submitter. Criteria: Invitae Variant Classification Sherloc (09022015). Collection method: clinical testing. Allele origin: germline.
Comment: This sequence change replaces glycine, which is neutral and non-polar, with serine, which is neutral and polar, at codon 785 of the NOTCH1 protein (p.Gly785Ser). This variant is present in population databases (rs764191723, gnomAD 0.04%), and has an allele count higher than expected for a pathogenic variant. This variant has not been reported in the literature in individuals affected with NOTCH1-related conditions. ClinVar contains an entry for this variant (Variation ID: 999689). An algorithm developed to predict the effect of missense changes on protein structure and function (PolyPhen-2) suggests that this variant is likely to be disruptive. Algorithms developed to predict the effect of sequence changes on RNA splicing suggest that this variant may disrupt the consensus splice site. In summary, the available evidence is currently insufficient to determine the role of this variant in disease. Therefore, it has been classified as a Variant of Uncertain Significance.

Ambry Genetics
Classification: Uncertain significance for Familial thoracic aortic aneurysm and aortic dissection. Last evaluated: 2025-04-23. Review status: criteria provided, single submitter. Criteria: Ambry Variant Classification Scheme 2023. Collection method: clinical testing. Allele origin: germline.
Comment: The p.G785S variant (also known as c.2353G>A), located in coding exon 14 of the NOTCH1 gene, results from a G to A substitution at nucleotide position 2353. The amino acid change results in glycine to serine at codon 785, an amino acid with similar properties. However, this change occurs in the last base pair of coding exon 14, which makes it likely to have some effect on normal mRNA splicing. This variant has been reported in a lymphatic disorders cohort (Michelini S et al. Mol Genet Genomic Med, 2021 Jan;9:e1529). This nucleotide position is highly conserved in available vertebrate species. In silico splice site analysis predicts that this alteration will not have any significant effect on splicing. This amino acid position is highly conserved in available vertebrate species. In addition, as a missense substitution this is predicted to be deleterious by in silico analysis. Based on the available evidence, the clinical significance of this variant remains unclear.

Blueprint Genetics
Classification: Uncertain significance. Last evaluated: 2024-06-28. Review status: criteria provided, single submitter. Criteria: ACMG Guidelines, 2015. Collection method: clinical testing. Allele origin: germline.

GeneDx
Classification: Uncertain significance. Last evaluated: 2023-04-18. Review status: criteria provided, single submitter. Criteria: GeneDx Variant Classification Process June 2021. Collection method: clinical testing. Allele origin: germline. Affected: yes.
Comment: Has not been previously published as pathogenic or benign in association with a connective tissue disorder to our knowledge; In silico analysis supports that this missense variant has a deleterious effect on protein structure/function; This variant is associated with the following publications: (PMID: 33247628)

Dr. Peter K. Rogan Lab, Western University
No classification provided (evidence only). Condition: Familial cancer of breast. Review status: no classification provided. Collection method: in vitro. Allele origin: not applicable. Functional consequence: retained intron. Not counted in ClinVar's aggregate classification.

Literature cited by the submitters: PubMed 33247628 (cited by Ambry Genetics).

NM_017617.5(NOTCH1):c.2353G>A (p.Gly785Ser)

Gene: NOTCH1 (notch receptor 1; minus strand). Cytogenetic location: 9q34.3.
Variant type: single nucleotide variant.
Coding change: c.2353G>A on transcript NM_017617.5 (MANE Select); coding-DNA position 2353, G replaced by A.
Protein change: p.Gly785Ser; replaces glycine 785 with serine.
Molecular consequence: missense variant.
Genome position (GRCh38, 1-based): chr9:136,513,392, C>T on the plus strand (G>A on the coding strand, the complement: NOTCH1 is on the minus strand). VCF-style: chr9-136513392-C-T. GRCh37 (hg19) VCF-style: chr9-139407844-C-T.
Other names: c.2353G>A (NM_017617.3); short protein forms G785S.
Identifiers: ClinVar variation 999689 (VCV000999689.12), dbSNP rs764191723, ClinGen allele CA5341407.